The following is an entry in ClinVar:

NM_182925.5(FLT4):c.3824G>A (p.Ser1275Asn)

Gene: FLT4 (fms related receptor tyrosine kinase 4; minus strand). Cytogenetic location: 5q35.3.
Variant type: single nucleotide variant.
Coding change: c.3824G>A on transcript NM_182925.5 (MANE Select); coding-DNA position 3824, G replaced by A.
Protein change: p.Ser1275Asn; replaces serine 1275 with asparagine.
Molecular consequence: missense variant.
Genome position (GRCh38, 1-based): chr5:180,609,037, C>T on the plus strand (G>A on the coding strand, the complement: FLT4 is on the minus strand). VCF-style: chr5-180609037-C-T. GRCh37 (hg19) VCF-style: chr5-180036037-C-T.
Other names: c.3824G>A, p.Ser1275Asn (NM_001354989.2, NM_002020.5); short protein forms S1275N.
Identifiers: ClinVar variation 3348262 (VCV003348262.4).

ClinVar aggregate classification (germline): Conflicting classifications of pathogenicity. Review status: criteria provided, conflicting classifications (1 of 4 stars). 3 submissions from 3 submitters: Likely pathogenic (1); Uncertain significance (2). Last evaluated 2025-03-13.

Conditions:
FLT4-related disorder. Also called: FLT4-related condition.

gnomAD v4.1: 1 of 1,614,220 alleles (0.000062%); highest among the groups gnomAD compares: Non-Finnish European, 0.000085%; no homozygotes.

Submissions (3):

PreventionGenetics, part of Exact Sciences
Classification: Likely pathogenic for FLT4-related condition. Last evaluated: 2025-03-13. Review status: criteria provided, single submitter. Criteria: ACMG Guidelines, 2015. Collection method: clinical testing. Allele origin: germline.
Comment: The FLT4 c.3824G>A variant is predicted to result in the amino acid substitution p.Ser1275Asn. To our knowledge, this exact variant has not been reported in the literature or in a large population database, indicating this variant is rare. An alternate change at the same position (Ser1275Gly) was reported as a de novo finding in a patient diagnosed with autosomal dominant hereditary lymphedema 1A, presenting with hydrops and chylothorax on prenatal ultrasound (Vora et al. 2020. PubMed ID: 31974414). This variant is interpreted as likely pathogenic.

GeneDx
Classification: Uncertain significance. Last evaluated: 2024-12-21. Review status: criteria provided, single submitter. Criteria: GeneDx Variant Classification Process June 2021. Collection method: clinical testing. Allele origin: germline. Affected: yes.
Comment: Not observed at significant frequency in large population cohorts (gnomAD); In silico analysis indicates that this missense variant does not alter protein structure/function; Has not been previously published as pathogenic or benign to our knowledge

ARUP Laboratories, Molecular Genetics and Genomics, ARUP Laboratories
Classification: Uncertain significance. Review status: criteria provided, single submitter. Criteria: ARUP Molecular Germline Variant Investigation Process 2024. Collection method: clinical testing. Allele origin: germline.
Comment: The FLT4 c.3824G>A; This variant is also absent from the Genome Aggregation Database (v2.1.1), indicating it is not a common polymorphism. Computational analyses are uncertain whether this variant is neutral or deleterious (REVEL: 0.465). Other amino acid substitutions at this codon (Gly, Thr, Arg) have been reported in individuals with lymphedema, including at least one de novo occurrence (Lajmi 2023, Vora 2020). Based on available information, this variant is considered to be likely pathogenic. References: Lajmi Y et al. Two novel variations p.(Ser1275Thr) and p.(Ser1275Arg) in FLT4 causing prenatal hereditary lymphedema type 1. Birth Defects Res. 2023 Mar 15;115(5):563-571. PMID: 36538874. Vora NL et al. An approach to integrating exome sequencing for fetal structural anomalies into clinical practice. Genet Med. 2020 May;22(5):954-961. PMID: 31974414.